The following is an entry in ClinVar:

NM_001329943.3(KIAA0586):c.3232A>G (p.Thr1078Ala)

Gene: KIAA0586 (KIAA0586; plus strand). Cytogenetic location: 14q23.1.
Variant type: single nucleotide variant.
Coding change: c.3232A>G on transcript NM_001329943.3 (MANE Select); coding-DNA position 3232, A replaced by G.
Protein change: p.Thr1078Ala; replaces threonine 1078 with alanine.
Molecular consequence: missense variant.
Genome position (GRCh38, 1-based): chr14:58,487,094, A>G. VCF-style: chr14-58487094-A-G. GRCh37 (hg19) VCF-style: chr14-58953812-A-G.
Other names: c.3391A>G, p.Thr1131Ala (NM_001244189.2); c.3187A>G, p.Thr1063Ala (NM_001244190.2); c.2977A>G, p.Thr993Ala (NM_001244191.2, NM_001329945.2, NM_001364700.1 and 1 more transcripts); c.3100A>G, p.Thr1034Ala (NM_001244192.2); c.2812A>G, p.Thr938Ala (NM_001244193.2); c.3232A>G, p.Thr1078Ala (NM_001329944.2, NM_001329946.2, NM_001329947.2); c.3004A>G, p.Thr1002Ala (NM_014749.5); short protein forms T1078A, T1131A, T938A, T993A, T1063A, T1034A, T1002A.
Identifiers: ClinVar variation 1946086 (VCV001946086.4), dbSNP rs1395536840, ClinGen allele CA389880926.

ClinVar aggregate classification (germline): Uncertain significance (1 of 4 stars; one submission).

Conditions:
Joubert syndrome 23 (JBTS23). Identifiers: Orphanet 475, MedGen C4084822, MONDO:0014664, OMIM 616490.
Short-rib thoracic dysplasia 14 with polydactyly (SRTD14). Identifiers: Orphanet 397715, MedGen C4225286, MONDO:0014688, OMIM 616546.

Allele frequency attached by ClinVar (database versions not stated): gnomAD exomes 0.00001.
gnomAD v4.1: 3 of 1,613,438 alleles (0.00019%); highest among the groups gnomAD compares: Admixed American, 0.005%; no homozygotes.

Submission:

Labcorp Genetics (formerly Invitae), Labcorp
Classification: Uncertain significance for Joubert syndrome 23; Short-rib thoracic dysplasia 14 with polydactyly. Last evaluated: 2023-08-10. Review status: criteria provided, single submitter. Criteria: Invitae Variant Classification Sherloc (09022015). Collection method: clinical testing. Allele origin: germline.
Comment: In summary, the available evidence is currently insufficient to determine the role of this variant in disease. Therefore, it has been classified as a Variant of Uncertain Significance. Advanced modeling of protein sequence and biophysical properties (such as structural, functional, and spatial information, amino acid conservation, physicochemical variation, residue mobility, and thermodynamic stability) performed at Invitae indicates that this missense variant is expected to disrupt KIAA0586 protein function. ClinVar contains an entry for this variant (Variation ID: 1946086). This variant has not been reported in the literature in individuals affected with KIAA0586-related conditions. This variant is present in population databases (no rsID available, gnomAD 0.009%). This sequence change replaces threonine, which is neutral and polar, with alanine, which is neutral and non-polar, at codon 1131 of the KIAA0586 protein (p.Thr1131Ala).